The following is an entry in ClinVar:

NM_001378454.1(ALMS1):c.4007A>G (p.His1336Arg)

Gene: ALMS1 (ALMS1 centrosome and basal body associated protein; plus strand). Cytogenetic location: 2p13.1.
Variant type: single nucleotide variant.
Coding change: c.4007A>G on transcript NM_001378454.1 (MANE Select); coding-DNA position 4007, A replaced by G.
Protein change: p.His1336Arg; replaces histidine 1336 with arginine.
Molecular consequence: missense variant.
Genome position (GRCh38, 1-based): chr2:73,450,534, A>G. VCF-style: chr2-73450534-A-G. GRCh37 (hg19) VCF-style: chr2-73677661-A-G.
Other names: c.4010A>G, p.His1337Arg (NM_015120.4); short protein forms H1337R, H1336R.
Identifiers: ClinVar variation 1481988 (VCV001481988.6), dbSNP rs2103780957, ClinGen allele CA347277264.
Genomic context (GRCh38, chr2:73,450,534, plus strand): 5'-TTCCTGGACCAGCTGACCAGAAGACTGTGATACCAATTTTACCCTCTACTTTCTACTCAC[A>G]CACAGAGAAGCCTGGTGTTTTCTACCAACAGGTCTTGCCACATAGTCATCCAACTGAAGA-3'
Protein context (NP_001365383.1, residues 1326-1346): IPILPSTFYS[His1336Arg]TEKPGVFYQQ

ClinVar aggregate classification (germline): Uncertain significance (1 of 4 stars; one submission).

Conditions:
Alstrom syndrome (ALMS). Identifiers: Orphanet 64, MedGen C0268425, MONDO:0008763, OMIM 203800.

Submission:

Labcorp Genetics (formerly Invitae), Labcorp
Classification: Uncertain significance for Alstrom syndrome. Last evaluated: 2022-07-12. Review status: criteria provided, single submitter. Criteria: Invitae Variant Classification Sherloc (09022015). Collection method: clinical testing. Allele origin: germline.
Comment: This sequence change replaces histidine, which is basic and polar, with arginine, which is basic and polar, at codon 1337 of the ALMS1 protein (p.His1337Arg). This variant is not present in population databases (gnomAD no frequency). This variant has not been reported in the literature in individuals affected with ALMS1-related conditions. ClinVar contains an entry for this variant (Variation ID: 1481988). Experimental studies and prediction algorithms are not available or were not evaluated, and the functional significance of this variant is currently unknown. In summary, the available evidence is currently insufficient to determine the role of this variant in disease. Therefore, it has been classified as a Variant of Uncertain Significance.